The following is an entry in ClinVar:

ClinVar aggregate classification (germline): Uncertain significance. Review status: criteria provided, multiple submitters, no conflicts (2 of 4 stars). 4 submissions from 4 submitters: Uncertain significance (4). Last evaluated 2025-06-01.

Conditions:
Peripheral neuropathy-myopathy-hoarseness-hearing loss syndrome. Identifiers: Orphanet 397744, MedGen C3280556, MONDO:0013711, OMIM 614369.

gnomAD v4.1: 23 of 1,608,766 alleles (0.0014%); highest among the groups gnomAD compares: Middle Eastern, 0.017%; no homozygotes.

Submissions (4):

CeGaT Center for Human Genetics Tuebingen
Classification: Uncertain significance. Last evaluated: 2025-06-01. Review status: criteria provided, single submitter. Criteria: CeGaT Center For Human Genetics Tuebingen Variant Classification Criteria Version 2. Collection method: clinical testing. Allele origin: germline. Affected: yes. Observed: 2 variant alleles.

GeneDx
Classification: Uncertain significance. Last evaluated: 2022-05-10. Review status: criteria provided, single submitter. Criteria: GeneDx Variant Classification Process June 2021. Collection method: clinical testing. Allele origin: germline. Affected: yes.
Comment: In silico analysis supports that this missense variant has a deleterious effect on protein structure/function; Has not been previously published as pathogenic or benign to our knowledge

Mayo Clinic Laboratories, Mayo Clinic
Classification: Uncertain significance. Last evaluated: 2021-06-18. Review status: criteria provided, single submitter. Criteria: ACMG Guidelines, 2015. Collection method: clinical testing. Allele origin: germline.

Centre for Mendelian Genomics, University Medical Centre Ljubljana
Classification: Uncertain significance for Peripheral neuropathy-myopathy-hoarseness-hearing loss syndrome. Last evaluated: 2019-06-21. Review status: criteria provided, single submitter. Criteria: ACMG Guidelines, 2015. Collection method: clinical testing. Allele origin: unknown. Affected: yes.
Comment: This variant was classified as: Uncertain significance. The available evidence on this variant's pathogenicity is insufficient or conflicting. The following ACMG criteria were applied in classifying this variant: PP3.

NM_001145809.2(MYH14):c.5281C>T (p.Arg1761Trp)

Gene: MYH14 (myosin heavy chain 14; plus strand). Cytogenetic location: 19q13.33.
Variant type: single nucleotide variant.
Coding change: c.5281C>T on transcript NM_001145809.2 (MANE Select); coding-DNA position 5281, C replaced by T.
Protein change: p.Arg1761Trp; replaces arginine 1761 with tryptophan.
Molecular consequence: missense variant.
Genome position (GRCh38, 1-based): chr19:50,293,257, C>T. VCF-style: chr19-50293257-C-T. GRCh37 (hg19) VCF-style: chr19-50796514-C-T.
Other names: p.Arg1720Trp; c.5182C>T, p.Arg1728Trp (NM_001077186.2); c.5158C>T, p.Arg1720Trp (NM_024729.4); short protein forms R1720W, R1728W, R1761W.
Identifiers: ClinVar variation 930417 (VCV000930417.37), dbSNP rs116035034, ClinGen allele CA9593747.